The following is an entry in ClinVar:

NM_015178.3(RHOBTB2):c.2114A>G (p.Asn705Ser)

Gene: RHOBTB2 (Rho related BTB domain containing 2; plus strand). Cytogenetic location: 8p21.3.
Variant type: single nucleotide variant.
Coding change: c.2114A>G on transcript NM_015178.3 (MANE Select); coding-DNA position 2114, A replaced by G.
Protein change: p.Asn705Ser; replaces asparagine 705 with serine.
Molecular consequence: missense variant.
Genome position (GRCh38, 1-based): chr8:23,017,399, A>G. VCF-style: chr8-23017399-A-G. GRCh37 (hg19) VCF-style: chr8-22874912-A-G.
Other names: c.2180A>G, p.Asn727Ser (NM_001160036.2); c.2135A>G, p.Asn712Ser (NM_001160037.2); c.2114A>G, p.Asn705Ser (NM_001374791.1); short protein forms N712S, N705S, N727S.
Identifiers: ClinVar variation 1506882 (VCV001506882.8), dbSNP rs901834145, ClinGen allele CA173885124.

ClinVar aggregate classification (germline): Uncertain significance (1 of 4 stars; one submission).

Allele frequency attached by ClinVar (database versions not stated): gnomAD exomes below 0.00001; TOPMed below 0.00001.
gnomAD v4.1: 2 of 1,613,996 alleles (0.00012%); highest among the groups gnomAD compares: Non-Finnish European, 0.00017%; no homozygotes.

Submission:

Labcorp Genetics (formerly Invitae), Labcorp
Classification: Uncertain significance. Last evaluated: 2021-02-02. Review status: criteria provided, single submitter. Criteria: Invitae Variant Classification Sherloc (09022015). Collection method: clinical testing. Allele origin: germline.
Comment: In summary, the available evidence is currently insufficient to determine the role of this variant in disease. Therefore, it has been classified as a Variant of Uncertain Significance. Algorithms developed to predict the effect of missense changes on protein structure and function (SIFT, PolyPhen-2, Align-GVGD) all suggest that this variant is likely to be tolerated, but these predictions have not been confirmed by published functional studies and their clinical significance is uncertain. This sequence change replaces asparagine with serine at codon 727 of the RHOBTB2 protein (p.Asn727Ser). The asparagine residue is highly conserved and there is a small physicochemical difference between asparagine and serine. This variant is not present in population databases (ExAC no frequency). This variant has not been reported in the literature in individuals with RHOBTB2-related conditions.